The following is an entry in ClinVar:

NM_206933.4(USH2A):c.1762A>T (p.Ile588Phe)

Gene: USH2A (usherin; minus strand). Cytogenetic location: 1q41.
Variant type: single nucleotide variant.
Coding change: c.1762A>T on transcript NM_206933.4 (MANE Select); coding-DNA position 1762, A replaced by T.
Protein change: p.Ile588Phe; replaces isoleucine 588 with phenylalanine.
Molecular consequence: missense variant.
Genome position (GRCh38, 1-based): chr1:216,292,253, T>A on the plus strand (A>T on the coding strand, the complement: USH2A is on the minus strand). VCF-style: chr1-216292253-T-A. GRCh37 (hg19) VCF-style: chr1-216465595-T-A.
Other names: c.1762A>T, p.Ile588Phe (NM_007123.6); c.1762A>T (NM_206933.2); short protein forms I588F.
Identifiers: ClinVar variation 1422413 (VCV001422413.6), dbSNP rs148901710, ClinGen allele CA1396409.

ClinVar aggregate classification (germline): Uncertain significance. Review status: criteria provided, multiple submitters, no conflicts (2 of 4 stars). 2 submissions from 2 submitters: Uncertain significance (2). Last evaluated 2025-04-11.

Conditions:
Inborn genetic diseases. Identifiers: MedGen C0950123, MeSH D030342.

Allele frequency attached by ClinVar (database versions not stated): gnomAD exomes 0.00001 and below 0.00001; ESP Exome Variant Server 0.00023; ExAC 0.00001; gnomAD 0.00001.
gnomAD v4.1: 3 of 1,613,968 alleles (0.00019%); highest among the groups gnomAD compares: African/African-American, 0.004%; no homozygotes.

Submissions (2):

Ambry Genetics
Classification: Uncertain significance for Inborn genetic diseases. Last evaluated: 2025-04-11. Review status: criteria provided, single submitter. Criteria: Ambry Variant Classification Scheme 2023. Collection method: clinical testing. Allele origin: germline.

Labcorp Genetics (formerly Invitae), Labcorp
Classification: Uncertain significance. Last evaluated: 2022-08-09. Review status: criteria provided, single submitter. Criteria: Invitae Variant Classification Sherloc (09022015). Collection method: clinical testing. Allele origin: germline.
Comment: This sequence change replaces isoleucine, which is neutral and non-polar, with phenylalanine, which is neutral and non-polar, at codon 588 of the USH2A protein (p.Ile588Phe). This variant is present in population databases (rs148901710, gnomAD 0.008%). This variant has not been reported in the literature in individuals affected with USH2A-related conditions. ClinVar contains an entry for this variant (Variation ID: 1422413). Algorithms developed to predict the effect of missense changes on protein structure and function (SIFT, PolyPhen-2, Align-GVGD) all suggest that this variant is likely to be tolerated. In summary, the available evidence is currently insufficient to determine the role of this variant in disease. Therefore, it has been classified as a Variant of Uncertain Significance.